The following is an entry in ClinVar:

ClinVar aggregate classification (germline): Uncertain significance. Review status: criteria provided, multiple submitters, no conflicts (2 of 4 stars). 2 submissions from 2 submitters: Uncertain significance (2). Last evaluated 2024-11-05.

Conditions:
Holoprosencephaly 5 (HPE5). Identifiers: Orphanet 2162, MedGen C1864827, MONDO:0012322, OMIM 609637.

Submissions (2):

Labcorp Genetics (formerly Invitae), Labcorp
Classification: Uncertain significance for Holoprosencephaly 5. Last evaluated: 2024-11-05. Review status: criteria provided, single submitter. Criteria: Invitae Variant Classification Sherloc (09022015). Collection method: clinical testing. Allele origin: germline.
Comment: This variant, c.1480_1527del, results in the deletion of 16 amino acid(s) of the ZIC2 protein (p.Gly494_Ser509del), but otherwise preserves the integrity of the reading frame. The frequency data for this variant in the population databases is considered unreliable, as metrics indicate poor data quality at this position in the gnomAD database. This variant has not been reported in the literature in individuals affected with ZIC2-related conditions. ClinVar contains an entry for this variant (Variation ID: 95447). Experimental studies and prediction algorithms are not available or were not evaluated, and the functional significance of this variant is currently unknown. In summary, the available evidence is currently insufficient to determine the role of this variant in disease. Therefore, it has been classified as a Variant of Uncertain Significance.

Eurofins Ntd Llc (ga)
Classification: Uncertain significance. Last evaluated: 2013-05-09. Review status: criteria provided, single submitter. Criteria: EGL Classification Definitions 2015. Collection method: clinical testing. Allele origin: germline. Observed: 1 variant allele, 1 heterozygote.

NM_007129.5(ZIC2):c.1480_1527del (p.Gly494_Ser509del)

Gene: ZIC2 (Zic family zinc finger 2; plus strand). Cytogenetic location: 13q32.3.
Variant type: Deletion.
Coding change: c.1480_1527del on transcript NM_007129.5 (MANE Select); coding-DNA positions 1480 to 1527, 48 bases deleted.
Protein change: p.Gly494_Ser509del.
Molecular consequence: inframe deletion.
Genome position (GRCh38, 1-based): chr13:99,985,563-99,985,610, 48 bases deleted; deleting any 48 consecutive bases within chr13:99,985,551-99,985,610 gives the same sequence; the c. name uses the placement nearest the transcript's 3' end. GRCh37 (hg19): chr13:100,637,817-100,637,864.
Other names: c.1480_1527delGGCAGTGGCGGGGGCGGCGGCGGGGCGGGCGGCGGGGGCGGCGGCAGC (NM_007129.3).
Identifiers: ClinVar variation 95447 (VCV000095447.7), dbSNP rs398124240, ClinGen allele CA222985.
Genomic context (GRCh38, chr13:99,985,550, plus strand): 5'-CGCGGTGTCCGCGGTGCACCGGGGCGGAGGCTCGGGCAGTGGCGGCGCGGGAGGCGGCTC[AGGCGGCGGCAGCGGCAGTGGCGGGGGCGGCGGCGGGGCGGGCGGCGGG>A]GGCGGCGGCAGCTCTGGCGGGGGCAGCGGGACAGCCGGGGGTCACAGCGGCCTCTCCTCC-3'